The following is an entry in ClinVar:

ClinVar aggregate classification (germline): Likely benign. Review status: criteria provided, multiple submitters, no conflicts (2 of 4 stars). 4 submissions from 4 submitters: Likely benign (4). Last evaluated 2025-12-18.

Conditions:
Inborn genetic diseases. Identifiers: MedGen C0950123, MeSH D030342.
DNM2-related disorder. Also called: DNM2-related condition.
Charcot-Marie-Tooth disease dominant intermediate B (CMTDIB). Also called: CHARCOT-MARIE-TOOTH NEUROPATHY, DOMINANT INTERMEDIATE B; Charcot-Marie-Tooth disease dominant intermediate 1; CMT DI1; Charcot-Marie-Tooth disease dominant intermediate I. Identifiers: Orphanet 100044, Orphanet 228179, MedGen C1847902, MONDO:0011674, OMIM 606482.

Allele frequency attached by ClinVar (database versions not stated): ExAC 0.00001; TOPMed 0.00002; gnomAD 0.00003 and 0.00004; gnomAD exomes 0.00003.
gnomAD v4.1: 57 of 1,614,194 alleles (0.0035%); highest among the groups gnomAD compares: East Asian, 0.0067%; 1 homozygote.

Submissions (4):

Labcorp Genetics (formerly Invitae), Labcorp
Classification: Likely benign for Charcot-Marie-Tooth disease dominant intermediate B. Last evaluated: 2025-12-18. Review status: criteria provided, single submitter. Criteria: Invitae Variant Classification Sherloc (09022015). Collection method: clinical testing. Allele origin: germline.

PreventionGenetics, part of Exact Sciences
Classification: Likely benign for DNM2-related condition. Last evaluated: 2025-09-10. Review status: criteria provided, single submitter. Criteria: ACMG Guidelines, 2015. Collection method: clinical testing. Allele origin: germline.
Comment: This variant is classified as likely benign based on ACMG/AMP sequence variant interpretation guidelines (Richards et al. 2015 PMID: 25741868, with internal and published modifications).

Ambry Genetics
Classification: Likely benign for Inborn genetic diseases. Last evaluated: 2019-07-11. Review status: criteria provided, single submitter. Criteria: Ambry Variant Classification Scheme 2023. Collection method: clinical testing. Allele origin: germline.

GeneDx
Classification: Likely benign. Last evaluated: 2017-04-27. Review status: criteria provided, single submitter. Criteria: GeneDx Variant Classification (06012015). Collection method: clinical testing. Allele origin: germline. Affected: yes.
Comment: This variant is considered likely benign or benign based on one or more of the following criteria: it is a conservative change, it occurs at a poorly conserved position in the protein, it is predicted to be benign by multiple in silico algorithms, and/or has population frequency not consistent with disease.

NM_001005361.3(DNM2):c.2016C>T (p.Arg672=)

Gene: DNM2 (dynamin 2; plus strand). Cytogenetic location: 19p13.2.
Variant type: single nucleotide variant.
Coding change: c.2016C>T on transcript NM_001005361.3 (MANE Select); coding-DNA position 2016, C replaced by T.
Protein change: p.Arg672=; no amino-acid change (arginine 672 retained).
Molecular consequence: synonymous variant.
Genome position (GRCh38, 1-based): chr19:10,825,179, C>T. VCF-style: chr19-10825179-C-T. GRCh37 (hg19) VCF-style: chr19-10935855-C-T.
Other names: c.2016C>T, p.Arg672= (NM_001005360.3, NM_001190716.2); c.2004C>T, p.Arg668= (NM_001005362.3, NM_004945.4).
Identifiers: ClinVar variation 509230 (VCV000509230.12), dbSNP rs368131004, ClinGen allele CA9201479.
Genomic context (GRCh38, chr19:10,825,179, plus strand): 5'-GGTGGAGACCATTCGCAACCTGGTGGACTCATACGTGGCCATCATCAACAAGTCCATCCG[C>T]GACCTCATGCCAAAGACCATCATGCACCTCATGATCAACAATGTGAGTGGAGAACTAAAA-3'
Protein context (NP_001005361.1, residues 662-682): SYVAIINKSI[Arg672=]DLMPKTIMHL